The following is an entry in ClinVar:

NM_052874.5(STX1B):c.163A>C (p.Lys55Gln)

Gene: STX1B (syntaxin 1B; minus strand). Cytogenetic location: 16p11.2.
Variant type: single nucleotide variant.
Coding change: c.163A>C on transcript NM_052874.5 (MANE Select); coding-DNA position 163, A replaced by C.
Protein change: p.Lys55Gln; replaces lysine 55 with glutamine.
Molecular consequence: missense variant.
Genome position (GRCh38, 1-based): chr16:31,001,136, T>G on the plus strand (A>C on the coding strand, the complement: STX1B is on the minus strand). VCF-style: chr16-31001136-T-G. GRCh37 (hg19) VCF-style: chr16-31012457-T-G.
Other names: short protein forms K55Q.
Identifiers: ClinVar variation 639992 (VCV000639992.8), dbSNP rs1463703956, ClinGen allele CA395651530.
Genomic context (GRCh38, chr16:31,001,136, plus strand): 5'-ACCGGCAGCCACACTCACTCTCATCTGGGTTGGGTGCGGCCAGGATGGCGCTATGCTGTT[T>G]TTTCACCTGCTCCACATCCTCCGACAGTTTCTCAATGCAGCCCCGGATCTCTTCCACCTG-3'
Protein context (NP_443106.1, residues 45-65): KLSEDVEQVK[Lys55Gln]QHSAILAAPN

ClinVar aggregate classification (germline): Uncertain significance (1 of 4 stars; one submission).

Conditions:
Generalized epilepsy with febrile seizures plus, type 9 (GEFSP9). Also called: GEFS+, TYPE 9. Identifiers: Orphanet 36387, MedGen C4015395, MONDO:0014517, OMIM 616172.

Submission:

Labcorp Genetics (formerly Invitae), Labcorp
Classification: Uncertain significance for Generalized epilepsy with febrile seizures plus, type 9. Last evaluated: 2018-10-08. Review status: criteria provided, single submitter. Criteria: Invitae Variant Classification Sherloc (09022015). Collection method: clinical testing. Allele origin: germline.
Comment: In summary, the available evidence is currently insufficient to determine the role of this variant in disease. Therefore, it has been classified as a Variant of Uncertain Significance. Algorithms developed to predict the effect of missense changes on protein structure and function (SIFT, PolyPhen-2, Align-GVGD) all suggest that this variant is likely to be tolerated, but these predictions have not been confirmed by published functional studies and their clinical significance is uncertain. This variant has not been reported in the literature in individuals with STX1B-related disease. This variant is not present in population databases (ExAC no frequency). This sequence change replaces lysine with glutamine at codon 55 of the STX1B protein (p.Lys55Gln). The lysine residue is highly conserved and there is a small physicochemical difference between lysine and glutamine.